The following is an entry in ClinVar:

ClinVar aggregate classification (germline): Uncertain significance (1 of 4 stars; one submission).

Submission:

Labcorp Genetics (formerly Invitae), Labcorp
Classification: Uncertain significance. Last evaluated: 2025-09-22. Review status: criteria provided, single submitter. Criteria: Invitae Variant Classification Sherloc (09022015). Collection method: clinical testing. Allele origin: germline.
Comment: This sequence change replaces proline, which is neutral and non-polar, with histidine, which is basic and polar, at codon 352 of the NFATC1 protein (p.Pro352His). This variant is present in population databases (rs371505851, gnomAD 0.04%). This variant has not been reported in the literature in individuals affected with NFATC1-related conditions. An algorithm developed to predict the effect of missense changes on protein structure and function (PolyPhen-2) suggests that this variant is likely to be disruptive. In summary, the available evidence is currently insufficient to determine the role of this variant in disease. Therefore, it has been classified as a Variant of Uncertain Significance.

NM_001278669.2(NFATC1):c.1055C>A (p.Pro352His)

Gene: NFATC1 (nuclear factor of activated T cells 1; plus strand). Cytogenetic location: 18q23.
Variant type: single nucleotide variant.
Coding change: c.1055C>A on transcript NM_001278669.2 (MANE Select); coding-DNA position 1055, C replaced by A.
Protein change: p.Pro352His; replaces proline 352 with histidine.
Molecular consequence: missense variant. On other transcripts: intron variant (2).
Genome position (GRCh38, 1-based): chr18:79,411,330, C>A. VCF-style: chr18-79411330-C-A. GRCh37 (hg19) VCF-style: chr18-77171330-C-A.
Other names: c.1055C>A, p.Pro352His (NM_001278670.2, NM_006162.5, NM_172390.3); c.1016C>A, p.Pro339His (NM_001278672.2, NM_001278675.2, NM_172387.3 and 1 more transcripts); c.-191+14979C>A (NM_172388.3); c.-191+10851C>A (NM_001278673.2); short protein forms P352H, P339H.
Identifiers: ClinVar variation 4738525 (VCV004738525.1).
Genomic context (GRCh38, chr18:79,411,330, plus strand): 5'-CTGTCAAGTCCCGCAAGACCACCCTGGAGCAGCCGCCCTCAGTGGCGCTCAAGGTGGAGC[C>A]CGTCGGGGAGGACCTGGGCAGCCCCCCGCCCCCGGCCGACTTCGCGCCCGAAGACTACTC-3'
Protein context (NP_001265598.1, residues 342-362): QPPSVALKVE[Pro352His]VGEDLGSPPP